The following is an entry in ClinVar:

ClinVar aggregate classification (germline): Uncertain significance. Review status: criteria provided, multiple submitters, no conflicts (2 of 4 stars). 2 submissions from 2 submitters: Uncertain significance (2). Last evaluated 2025-02-11.

Conditions:
Emery-Dreifuss muscular dystrophy 5, autosomal dominant (EDMD5). Also called: EMERY-DREIFUSS MUSCULAR DYSTROPHY 5. Identifiers: Orphanet 261, MedGen C2751805, MONDO:0013072, OMIM 612999.

Allele frequency attached by ClinVar (database versions not stated): TOPMed below 0.00001; gnomAD 0.00001; gnomAD exomes 0.00001.
gnomAD v4.1: 4 of 1,606,742 alleles (0.00025%); highest among the groups gnomAD compares: Admixed American, 0.0017%; no homozygotes.

Submissions (2):

Ambry Genetics
Classification: Uncertain significance. Last evaluated: 2025-02-11. Review status: criteria provided, single submitter. Criteria: Ambry Variant Classification Scheme 2023. Collection method: clinical testing. Allele origin: germline.

Labcorp Genetics (formerly Invitae), Labcorp
Classification: Uncertain significance for Emery-Dreifuss muscular dystrophy 5, autosomal dominant. Last evaluated: 2022-12-02. Review status: criteria provided, single submitter. Criteria: Invitae Variant Classification Sherloc (09022015). Collection method: clinical testing. Allele origin: germline.
Comment: Algorithms developed to predict the effect of missense changes on protein structure and function are either unavailable or do not agree on the potential impact of this missense change (SIFT: "Deleterious"; PolyPhen-2: "Possibly Damaging"; Align-GVGD: "Class C0"). In summary, the available evidence is currently insufficient to determine the role of this variant in disease. Therefore, it has been classified as a Variant of Uncertain Significance. This sequence change replaces isoleucine, which is neutral and non-polar, with threonine, which is neutral and polar, at codon 967 of the SYNE2 protein (p.Ile967Thr). This variant is not present in population databases (gnomAD no frequency). This variant has not been reported in the literature in individuals affected with SYNE2-related conditions. ClinVar contains an entry for this variant (Variation ID: 850700).

NM_182914.3(SYNE2):c.2900T>C (p.Ile967Thr)

Gene: SYNE2 (spectrin repeat containing nuclear envelope protein 2; plus strand). Cytogenetic location: 14q23.2.
Variant type: single nucleotide variant.
Coding change: c.2900T>C on transcript NM_182914.3 (MANE Select); coding-DNA position 2900, T replaced by C.
Protein change: p.Ile967Thr; replaces isoleucine 967 with threonine.
Molecular consequence: missense variant.
Genome position (GRCh38, 1-based): chr14:63,995,162, T>C. VCF-style: chr14-63995162-T-C. GRCh37 (hg19) VCF-style: chr14-64461880-T-C.
Other names: c.2900T>C, p.Ile967Thr (NM_015180.6); short protein forms I967T.
Identifiers: ClinVar variation 850700 (VCV000850700.10), dbSNP rs1274813668, ClinGen allele CA389984604.